The following is an entry in ClinVar:

ClinVar aggregate classification (germline): Conflicting classifications of pathogenicity. Review status: criteria provided, conflicting classifications (1 of 4 stars). 3 submissions from 3 submitters: Uncertain significance (2); Likely benign (1). Last evaluated 2025-02-04.

Conditions:
Atrial fibrillation, familial, 14 (ATFB14). Identifiers: MedGen C3809312, MONDO:0014156, OMIM 615378.
Cardiovascular phenotype. Identifiers: MedGen CN230736.

Allele frequency attached by ClinVar (database versions not stated): gnomAD exomes 0.00003 and 0.00004; ExAC 0.00005; gnomAD 0.00005 and 0.00006; TOPMed 0.00005.
gnomAD v4.1: 60 of 1,613,662 alleles (0.0037%); highest among the groups gnomAD compares: Non-Finnish European, 0.0047%; no homozygotes.

Submissions (3):

Labcorp Genetics (formerly Invitae), Labcorp
Classification: Uncertain significance for Atrial fibrillation, familial, 14. Last evaluated: 2025-02-04. Review status: criteria provided, single submitter. Criteria: Invitae Variant Classification Sherloc (09022015). Collection method: clinical testing. Allele origin: germline.
Comment: This sequence change replaces histidine, which is basic and polar, with arginine, which is basic and polar, at codon 2 of the SCN2B protein (p.His2Arg). This variant is present in population databases (rs765743471, gnomAD 0.009%). This variant has not been reported in the literature in individuals affected with SCN2B-related conditions. ClinVar contains an entry for this variant (Variation ID: 1006173). An algorithm developed to predict the effect of missense changes on protein structure and function outputs the following: PolyPhen-2: "Benign". The arginine amino acid residue is found in multiple mammalian species, which suggests that this missense change does not adversely affect protein function. In summary, the available evidence is currently insufficient to determine the role of this variant in disease. Therefore, it has been classified as a Variant of Uncertain Significance.

Ambry Genetics
Classification: Likely benign for Cardiovascular phenotype. Last evaluated: 2024-12-20. Review status: criteria provided, single submitter. Criteria: Ambry Variant Classification Scheme 2023. Collection method: clinical testing. Allele origin: germline.

Fulgent Genetics
Classification: Uncertain significance for Atrial fibrillation, familial, 14. Last evaluated: 2021-08-11. Review status: criteria provided, single submitter. Criteria: ACMG Guidelines, 2015. Collection method: clinical testing. Allele origin: unknown.

NM_004588.5(SCN2B):c.5A>G (p.His2Arg)

Gene: SCN2B (sodium voltage-gated channel beta subunit 2; minus strand). Cytogenetic location: 11q23.3.
Variant type: single nucleotide variant.
Coding change: c.5A>G on transcript NM_004588.5 (MANE Select); coding-DNA position 5, A replaced by G.
Protein change: p.His2Arg; replaces histidine 2 with arginine.
Molecular consequence: missense variant.
Genome position (GRCh38, 1-based): chr11:118,176,427, T>C on the plus strand (A>G on the coding strand, the complement: SCN2B is on the minus strand). VCF-style: chr11-118176427-T-C. GRCh37 (hg19) VCF-style: chr11-118047142-T-C.
Other names: c.5A>G (NM_004588.4); short protein forms H2R.
Identifiers: ClinVar variation 1006173 (VCV001006173.10), dbSNP rs765743471, ClinGen allele CA6300576.
Genomic context (GRCh38, chr11:118,176,427, plus strand): 5'-GAGAAAAAGAGACTGAGCCCCGTGAGGCTGAAGGCAGGGCGAGGTAGCCAGGCATCTCTG[T>C]GCATTTTCAGAGACTGAGATGTTAGTCGGGTGGGCTACGGGAGAGGGTGATTTGAGGGGG-3'
Protein context (NP_004579.1, residues 1-12): M[His2Arg]RDAWLPRPAF